The following is an entry in ClinVar:

NM_017433.5(MYO3A):c.3787A>G (p.Ile1263Val)

Gene: MYO3A (myosin IIIA; plus strand). Cytogenetic location: 10p12.1.
Variant type: single nucleotide variant.
Coding change: c.3787A>G on transcript NM_017433.5 (MANE Select); coding-DNA position 3787, A replaced by G.
Protein change: p.Ile1263Val; replaces isoleucine 1263 with valine.
Molecular consequence: missense variant.
Genome position (GRCh38, 1-based): chr10:26,174,051, A>G. VCF-style: chr10-26174051-A-G. GRCh37 (hg19) VCF-style: chr10-26462980-A-G.
Other names: short protein forms I1263V.
Identifiers: ClinVar variation 2984428 (VCV002984428.3), dbSNP rs1842187692, ClinGen allele CA376339443.

ClinVar aggregate classification (germline): Uncertain significance (1 of 4 stars; one submission).

Allele frequency attached by ClinVar (database versions not stated): gnomAD exomes below 0.00001; TOPMed 0.00002.
gnomAD v4.1: 2 of 1,614,018 alleles (0.00012%); highest among the groups gnomAD compares: Non-Finnish European, 0.00017%; no homozygotes.

Submission:

Labcorp Genetics (formerly Invitae), Labcorp
Classification: Uncertain significance. Last evaluated: 2023-09-19. Review status: criteria provided, single submitter. Criteria: Invitae Variant Classification Sherloc (09022015). Collection method: clinical testing. Allele origin: germline.
Comment: In summary, the available evidence is currently insufficient to determine the role of this variant in disease. Therefore, it has been classified as a Variant of Uncertain Significance. Advanced modeling of protein sequence and biophysical properties (such as structural, functional, and spatial information, amino acid conservation, physicochemical variation, residue mobility, and thermodynamic stability) performed at Invitae indicates that this missense variant is not expected to disrupt MYO3A protein function. This variant has not been reported in the literature in individuals affected with MYO3A-related conditions. This variant is not present in population databases (gnomAD no frequency). This sequence change replaces isoleucine, which is neutral and non-polar, with valine, which is neutral and non-polar, at codon 1263 of the MYO3A protein (p.Ile1263Val).